The following is an entry in ClinVar:

NM_006267.5(RANBP2):c.2363C>T (p.Ser788Leu)

Gene: RANBP2 (RAN binding protein 2; plus strand). Cytogenetic location: 2q13.
Variant type: single nucleotide variant.
Coding change: c.2363C>T on transcript NM_006267.5 (MANE Select); coding-DNA position 2363, C replaced by T.
Protein change: p.Ser788Leu; replaces serine 788 with leucine.
Molecular consequence: missense variant.
Genome position (GRCh38, 1-based): chr2:108,755,065, C>T. VCF-style: chr2-108755065-C-T. GRCh37 (hg19) VCF-style: chr2-109371521-C-T.
Other names: short protein forms S788L.
Identifiers: ClinVar variation 1800891 (VCV001800891.1), dbSNP rs2467542011, ClinGen allele CA348056037.

ClinVar aggregate classification (germline): Uncertain significance (1 of 4 stars; one submission).

Submission:

GeneDx
Classification: Uncertain significance. Last evaluated: 2022-05-25. Review status: criteria provided, single submitter. Criteria: GeneDx Variant Classification Process June 2021. Collection method: clinical testing. Allele origin: germline. Affected: yes.
Comment: Has not been previously published as pathogenic or benign to our knowledge; Not observed at significant frequency in large population cohorts (gnomAD); In silico analysis supports that this missense variant has a deleterious effect on protein structure/function